The following is an entry in ClinVar:

NM_182961.4(SYNE1):c.2250+289C>T

Gene: SYNE1 (spectrin repeat containing nuclear envelope protein 1; minus strand). Cytogenetic location: 6q25.2.
Variant type: single nucleotide variant.
Coding change: c.2250+289C>T on transcript NM_182961.4 (MANE Select); 289 bases into the intron after coding-DNA position 2250, C replaced by T.
Molecular consequence: intron variant.
Genome position (GRCh38, 1-based): chr6:152,462,449, G>A on the plus strand (C>T on the coding strand, the complement: SYNE1 is on the minus strand). VCF-style: chr6-152462449-G-A. GRCh37 (hg19) VCF-style: chr6-152783584-G-A.
Other names: c.2271+289C>T (NM_033071.5).
Identifiers: ClinVar variation 683904 (VCV000683904.1), dbSNP rs9383994, ClinGen allele CA15460849.
Genomic context (GRCh38, chr6:152,462,449, plus strand): 5'-AAATATGCAAATACCACAGTTCATGCAATAAATCCTTTATTATTGAAAGTATTTAGGTGC[G>A]GGTGCTATCTATAGATGTCTCCTGTTTTTTCCTAATACTTTTTAACTTGGTTGTAGAAAA-3'

ClinVar aggregate classification (germline): Benign (1 of 4 stars; one submission).

Allele frequency attached by ClinVar (database versions not stated): gnomAD exomes 0.24886; gnomAD 0.27614; TOPMed 0.29075; 1000 Genomes Project 0.31010; 1000 Genomes Project 30x 0.31059.
gnomAD v4.1: 131,822 of 510,510 alleles (26%); highest among the groups gnomAD compares: African/African-American, 39%; 18,164 homozygotes.

Submission:

GeneDx
Classification: Benign. Last evaluated: 2018-06-14. Review status: criteria provided, single submitter. Criteria: GeneDx Variant Classification (06012015). Collection method: clinical testing. Allele origin: germline. Affected: yes.
Comment: This variant is considered likely benign or benign based on one or more of the following criteria: it is a conservative change, it occurs at a poorly conserved position in the protein, it is predicted to be benign by multiple in silico algorithms, and/or has population frequency not consistent with disease.